The following is an entry in ClinVar:

NM_001164508.2(NEB):c.18034G>A (p.Ala6012Thr)

Gene: NEB (nebulin; minus strand). Cytogenetic location: 2q23.3.
Variant type: single nucleotide variant.
Coding change: c.18034G>A on transcript NM_001164508.2 (MANE Select); coding-DNA position 18034, G replaced by A.
Protein change: p.Ala6012Thr; replaces alanine 6012 with threonine.
Molecular consequence: missense variant.
Genome position (GRCh38, 1-based): chr2:151,567,290, C>T on the plus strand (G>A on the coding strand, the complement: NEB is on the minus strand). VCF-style: chr2-151567290-C-T. GRCh37 (hg19) VCF-style: chr2-152423804-C-T.
Other names: c.18034G>A, p.Ala6012Thr (NM_001164507.2, NM_001271208.2); c.12931G>A, p.Ala4311Thr (NM_004543.5); short protein forms A4311T, A6012T.
Identifiers: ClinVar variation 2434313 (VCV002434313.5), dbSNP rs750215416, ClinGen allele CA57660316.

ClinVar aggregate classification (germline): Uncertain significance. Review status: criteria provided, multiple submitters, no conflicts (2 of 4 stars). 2 submissions from 2 submitters: Uncertain significance (2). Last evaluated 2024-08-21.

Conditions:
Nemaline myopathy 2 (NEM2). Also called: Nemaline myopathy 2, autosomal recessive. Identifiers: MedGen C1850569, MONDO:0009725, OMIM 256030.

Allele frequency attached by ClinVar (database versions not stated): gnomAD 0.00001; TOPMed 0.00001.
gnomAD v4.1: 26 of 1,613,776 alleles (0.0016%); highest among the groups gnomAD compares: East Asian, 0.0022%; no homozygotes.

Submissions (2):

Labcorp Genetics (formerly Invitae), Labcorp
Classification: Uncertain significance for Nemaline myopathy 2. Last evaluated: 2024-08-21. Review status: criteria provided, single submitter. Criteria: Invitae Variant Classification Sherloc (09022015). Collection method: clinical testing. Allele origin: germline.
Comment: This sequence change replaces alanine, which is neutral and non-polar, with threonine, which is neutral and polar, at codon 6012 of the NEB protein (p.Ala6012Thr). The frequency data for this variant in the population databases is considered unreliable, as metrics indicate poor data quality at this position in the gnomAD database. This variant has not been reported in the literature in individuals affected with NEB-related conditions. ClinVar contains an entry for this variant (Variation ID: 2434313). Experimental studies and prediction algorithms are not available or were not evaluated, and the functional significance of this variant is currently unknown. In summary, the available evidence is currently insufficient to determine the role of this variant in disease. Therefore, it has been classified as a Variant of Uncertain Significance.

Revvity Omics, Revvity
Classification: Uncertain significance. Last evaluated: 2022-07-14. Review status: criteria provided, single submitter. Criteria: ACMG Guidelines, 2015. Collection method: clinical testing. Allele origin: germline.